The following is an entry in ClinVar:

ClinVar aggregate classification (germline): Likely benign (1 of 4 stars; one submission).

Allele frequency attached by ClinVar (database versions not stated): 1000 Genomes Project 30x 0.00016; TOPMed 0.00093; gnomAD 0.00101; ExAC 0.00105; ESP Exome Variant Server 0.00147; gnomAD exomes 0.00187.

Submission:

CeGaT Center for Human Genetics Tuebingen
Classification: Likely benign. Last evaluated: 2023-03-01. Review status: criteria provided, single submitter. Criteria: CeGaT Center For Human Genetics Tuebingen Variant Classification Criteria Version 2. Collection method: clinical testing. Allele origin: germline. Affected: yes. Observed: 3 variant alleles.
Comment: CDK11A: BP4, BP7, BS2

NM_024011.4(CDK11A):c.2049C>T (p.Asp683=)

Gene: CDK11A (cyclin dependent kinase 11A; minus strand). Cytogenetic location: 1p36.33.
Variant type: single nucleotide variant.
Coding change: c.2049C>T on transcript NM_024011.4 (MANE Select); coding-DNA position 2049, C replaced by T.
Protein change: p.Asp683=; no amino-acid change (aspartic acid 683 retained).
Molecular consequence: synonymous variant. On other transcripts: non-coding transcript variant (2).
Genome position (GRCh38, 1-based): chr1:1,703,487, G>A on the plus strand (C>T on the coding strand, the complement: CDK11A is on the minus strand). VCF-style: chr1-1703487-G-A. GRCh37 (hg19) VCF-style: chr1-1634926-G-A.
Other names: c.2058C>T, p.Asp686= (NM_001313896.2); c.2046C>T, p.Asp682= (NM_001313982.2); c.2019C>T, p.Asp673= (NM_033529.4).
Identifiers: ClinVar variation 2638052 (VCV002638052.24), dbSNP rs376339378, ClinGen allele CA529906.
Genomic context (GRCh38, chr1:1,703,487, plus strand): 5'-TCACCGCTATGGCTCGGGACCTCCCGCCACCCGGCTGCACTGGGCTCACTTGTTCATGAG[G>A]TCGAAGCCCTGGTCTGAGAGCAGAGCCCCGAAGCGCTTGCGGAGGTTGTTGTAGGGGTGC-3'
Protein context (NP_076916.2, residues 673-693): FGALLSDQGF[Asp683=]LMNKFLTYFP